The following is an entry in ClinVar:

ClinVar aggregate classification (germline): Likely benign (1 of 4 stars; one submission).

Submission:

CeGaT Center for Human Genetics Tuebingen
Classification: Likely benign. Last evaluated: 2026-05-01. Review status: criteria provided, single submitter. Criteria: CeGaT Center For Human Genetics Tuebingen Variant Classification Criteria Version 2. Collection method: clinical testing. Allele origin: germline. Affected: yes. Observed: 1 variant allele.
Comment: TUBA1B: BP4, BP7

NM_006082.3(TUBA1B):c.390C>G (p.Thr130=)

Gene: TUBA1B (tubulin alpha 1b; minus strand). Cytogenetic location: 12q13.12.
Variant type: single nucleotide variant.
Coding change: c.390C>G on transcript NM_006082.3 (MANE Select); coding-DNA position 390, C replaced by G.
Protein change: p.Thr130=; no amino-acid change (threonine 130 retained).
Molecular consequence: synonymous variant.
Genome position (GRCh38, 1-based): chr12:49,128,924, G>C on the plus strand (C>G on the coding strand, the complement: TUBA1B is on the minus strand). VCF-style: chr12-49128924-G-C. GRCh37 (hg19) VCF-style: chr12-49522707-G-C.
Identifiers: ClinVar variation 4872625 (VCV004872625.2).